The following is an entry in ClinVar:

NM_130837.3(OPA1):c.2274_2275inv (p.Val759Ile)

Gene: OPA1 (OPA1 mitochondrial dynamin like GTPase; plus strand). Cytogenetic location: 3q29.
Variant type: Inversion.
Coding change: c.2274_2275inv on transcript NM_130837.3 (MANE Select).
Protein change: p.Val759Ile; replaces valine 759 with isoleucine.
Molecular consequence: missense variant.
Genome position: GRCh38 VCF-style: chr3-193657175-TG-CA. GRCh37 (hg19) VCF-style: chr3-193374964-TG-CA.
Other names: c.1740_1741inv, p.Val581Ile (NM_001354663.2); c.1737_1738inv, p.Val580Ile (NM_001354664.2); c.2109_2110inv, p.Val704Ile (NM_015560.3); c.2001_2002inv, p.Val668Ile (NM_130831.3); c.2055_2056inv, p.Val686Ile (NM_130832.3); c.2112_2113inv, p.Val705Ile (NM_130833.3); c.2163_2164inv, p.Val722Ile (NM_130834.3); c.2166_2167inv, p.Val723Ile (NM_130835.3); and 1 more; short protein forms V581I, V723I, V668I, V704I, V705I, V722I, V580I, V686I.
Identifiers: ClinVar variation 3003059 (VCV003003059.3), ClinGen allele CA2740091076.
Genomic context (GRCh38, chr3:193,657,175, plus strand): 5'-CTTTATGACAGAACCGAAAGGGAAAGAGCATGATGACATATTTGATAAACTTAAAGAGGC[TG>CA]TTAAGGAAGAAAGTATTAAACGACACAAGTGGAATGACTTTGCGGAGGACAGCTTGGTAT-3'
Protein context (NP_570850.2, residues 749-769): DDIFDKLKEA[Val759Ile]KEESIKRHKW

ClinVar aggregate classification (germline): Uncertain significance (1 of 4 stars; one submission).

Submission:

Labcorp Genetics (formerly Invitae), Labcorp
Classification: Uncertain significance. Last evaluated: 2023-03-08. Review status: criteria provided, single submitter. Criteria: Invitae Variant Classification Sherloc (09022015). Collection method: clinical testing. Allele origin: germline.
Comment: This sequence change replaces valine, which is neutral and non-polar, with isoleucine, which is neutral and non-polar, at codon 704 of the OPA1 protein (p.Val704Ile). Information on the frequency of this variant in the gnomAD database is not available, as this variant may be reported differently in the database. In summary, the available evidence is currently insufficient to determine the role of this variant in disease. Therefore, it has been classified as a Variant of Uncertain Significance. Experimental studies and prediction algorithms are not available or were not evaluated, and the functional significance of this variant is currently unknown. This variant has not been reported in the literature in individuals affected with OPA1-related conditions.